The following is an entry in ClinVar:

NM_001012759.3(CTU2):c.1159C>T (p.Arg387Cys)

Gene: CTU2 (cytosolic thiouridylase subunit 2; plus strand). Cytogenetic location: 16q24.3.
Variant type: single nucleotide variant.
Coding change: c.1159C>T on transcript NM_001012759.3 (MANE Select); coding-DNA position 1159, C replaced by T.
Protein change: p.Arg387Cys; replaces arginine 387 with cysteine.
Molecular consequence: missense variant.
Genome position (GRCh38, 1-based): chr16:88,714,444, C>T. VCF-style: chr16-88714444-C-T. GRCh37 (hg19) VCF-style: chr16-88780852-C-T.
Other names: c.1159C>T, p.Arg387Cys (NM_001012762.3); c.1372C>T, p.Arg458Cys (NM_001318507.2); c.898C>T, p.Arg300Cys (NM_001318513.2); c.1159C>T (NM_001012759.1); short protein forms R458C, R387C, R300C.
Identifiers: ClinVar variation 1515031 (VCV001515031.7), dbSNP rs753392867, ClinGen allele CA8230876.

ClinVar aggregate classification (germline): Conflicting classifications of pathogenicity. Review status: criteria provided, conflicting classifications (1 of 4 stars). 2 submissions from 2 submitters: Uncertain significance (1); Likely benign (1). Last evaluated 2025-10-30.

Allele frequency attached by ClinVar (database versions not stated): gnomAD 0.00001; TOPMed 0.00001; ExAC 0.00003.

Submissions (2):

Ambry Genetics
Classification: Likely benign. Last evaluated: 2025-10-30. Review status: criteria provided, single submitter. Criteria: Ambry Variant Classification Scheme 2023. Collection method: clinical testing. Allele origin: germline.

Labcorp Genetics (formerly Invitae), Labcorp
Classification: Uncertain significance. Last evaluated: 2024-11-11. Review status: criteria provided, single submitter. Criteria: Invitae Variant Classification Sherloc (09022015). Collection method: clinical testing. Allele origin: germline.
Comment: This sequence change replaces arginine, which is basic and polar, with cysteine, which is neutral and slightly polar, at codon 387 of the CTU2 protein (p.Arg387Cys). This variant is present in population databases (rs753392867, gnomAD 0.01%). This variant has not been reported in the literature in individuals affected with CTU2-related conditions. ClinVar contains an entry for this variant (Variation ID: 1515031). Invitae Evidence Modeling of protein sequence and biophysical properties (such as structural, functional, and spatial information, amino acid conservation, physicochemical variation, residue mobility, and thermodynamic stability) indicates that this missense variant is not expected to disrupt CTU2 protein function with a negative predictive value of 80%. In summary, the available evidence is currently insufficient to determine the role of this variant in disease. Therefore, it has been classified as a Variant of Uncertain Significance.